The following is an entry in ClinVar:

ClinVar aggregate classification (germline): Likely pathogenic (1 of 4 stars; one submission).

Conditions:
Tatton-Brown-Rahman overgrowth syndrome. Also called: Tall stature-intellectual disability-facial dysmorphism syndrome; Tatton-Brown-Rahman syndrome. Identifiers: Orphanet 404443, MedGen C4014545, MONDO:0014382, OMIM 615879.

Allele frequency attached by ClinVar (database versions not stated): gnomAD 0.00001; ExAC 0.00003.
gnomAD v4.1: 13 of 1,613,580 alleles (0.00081%); highest among the groups gnomAD compares: Admixed American, 0.0033%; no homozygotes.

Submission:

Labcorp Genetics (formerly Invitae), Labcorp
Classification: Likely pathogenic for Tatton-Brown-Rahman overgrowth syndrome. Last evaluated: 2022-12-22. Review status: criteria provided, single submitter. Criteria: Invitae Variant Classification Sherloc (09022015). Collection method: clinical testing. Allele origin: germline.
Comment: In summary, the currently available evidence indicates that the variant is pathogenic, but additional data are needed to prove that conclusively. Therefore, this variant has been classified as Likely Pathogenic. Algorithms developed to predict the effect of sequence changes on RNA splicing suggest that this variant may disrupt the consensus splice site. ClinVar contains an entry for this variant (Variation ID: 1324287). Disruption of this splice site has been observed in individual(s) with clinical features of glioblastoma multiforme (PMID: 26689913). The frequency data for this variant in the population databases is considered unreliable, as metrics indicate poor data quality at this position in the gnomAD database. This sequence change affects a donor splice site in intron 13 of the DNMT3A gene. It is expected to disrupt RNA splicing. Variants that disrupt the donor or acceptor splice site typically lead to a loss of protein function (PMID: 16199547), and loss-of-function variants in DNMT3A are known to be pathogenic (PMID: 24614070).

Literature cited by the submitters: PubMed 26689913; PubMed 16199547; PubMed 24614070.

NM_022552.5(DNMT3A):c.1554+1G>A

Gene: DNMT3A (DNA methyltransferase 3 alpha; minus strand). Cytogenetic location: 2p23.3.
Variant type: single nucleotide variant.
Coding change: c.1554+1G>A on transcript NM_022552.5 (MANE Select); the canonical splice donor site of the intron after coding-DNA position 1554, G replaced by A.
Molecular consequence: splice donor variant.
Genome position (GRCh38, 1-based): chr2:25,245,252, C>T on the plus strand (G>A on the coding strand, the complement: DNMT3A is on the minus strand). VCF-style: chr2-25245252-C-T. GRCh37 (hg19) VCF-style: chr2-25468121-C-T.
Other names: c.1554+1G>A (NM_175629.2); c.987+1G>A (NM_153759.3); c.1098+1G>A (NM_001320893.1); c.885+1G>A (NM_001375819.1).
Identifiers: ClinVar variation 2981249 (VCV002981249.3), dbSNP rs766110518, ClinGen allele CA1555976.